The following is an entry in ClinVar:

ClinVar aggregate classification (germline): Likely pathogenic (1 of 4 stars; one submission).

Conditions:
Autosomal recessive limb-girdle muscular dystrophy type 2P. Also called: Limb-Girdle Muscular Dystrophy Type 9C; MUSCULAR DYSTROPHY, LIMB-GIRDLE, TYPE 2P; MUSCULAR DYSTROPHY-DYSTROGLYCANOPATHY, LIMB-GIRDLE, DAG1-RELATED. Identifiers: Orphanet 280333, MedGen C4511963, MONDO:0013440, OMIM 613818.

Submission:

MGZ Medical Genetics Center
Classification: Likely pathogenic for Autosomal recessive limb-girdle muscular dystrophy type 2P. Last evaluated: 2022-01-11. Review status: criteria provided, single submitter. Criteria: ACMG Guidelines, 2015. Collection method: clinical testing. Allele origin: germline. Affected: yes. Observed: 1 variant allele.
Comment: ACMG criteria applied: PVS1, PM2_SUP

NM_004393.6(DAG1):c.721_722del (p.Phe241fs)

Gene: DAG1 (dystroglycan 1; plus strand). Cytogenetic location: 3p21.31.
Variant type: Deletion.
Coding change: c.721_722del on transcript NM_004393.6 (MANE Select); coding-DNA positions 721 to 722, 2 bases deleted (TT; older notation c.721_722delTT).
Protein change: p.Phe241fs; shifts the reading frame from phenylalanine 241.
Molecular consequence: frameshift variant.
Genome position (GRCh38, 1-based): chr3:49,531,232-49,531,233, TT deleted. VCF-style (leftmost placement, unchanged base first): chr3-49531231-CTT-C. GRCh37 (hg19) VCF-style: chr3-49568664-CTT-C.
Other names: c.721_722del, p.Phe241fs (NM_001165928.4, NM_001177634.3, NM_001177635.3 and 9 more transcripts); short protein forms F241fs.
Identifiers: ClinVar variation 1709072 (VCV001709072.2), dbSNP rs2472606199, ClinGen allele CA2580070072.